The following is an entry in ClinVar:

ClinVar aggregate classification (germline): Benign/Likely benign. Review status: criteria provided, single submitter (1 of 4 stars). 2 submissions from 1 submitter: Benign (1); Likely benign (1). Last evaluated 2018-01-13.

Conditions:
Susceptibility to mononeuropathy of the median nerve, mild. Also called: CARPAL TUNNEL SYNDROME, SUSCEPTIBILITY TO. Identifiers: MedGen C3150596, MONDO:0013237, OMIM 613353.
Charcot-Marie-Tooth disease type 4C (CMT4C). Also called: CMT 4C; SH3TC2-Related Hereditary Motor and Sensory Neuropathy; Charcot-Marie-Tooth Neuropathy Type 4C (CMT4C); CHARCOT-MARIE-TOOTH DISEASE, DEMYELINATING, TYPE 4C; CHARCOT-MARIE-TOOTH DISEASE, DEMYELINATING, AUTOSOMAL RECESSIVE, TYPE 4C. Identifiers: Orphanet 99949, MedGen C1866636, MONDO:0011113, OMIM 601596.

Allele frequency attached by ClinVar (database versions not stated): gnomAD 0.00289 and 0.00315; TOPMed 0.00302; 1000 Genomes Project 0.00399; 1000 Genomes Project 30x 0.00453.
gnomAD v4.1: 438 of 152,352 alleles (0.29%); highest among the groups gnomAD compares: African/African-American, 1%; 2 homozygotes.

Submissions (2):

Illumina Laboratory Services, Illumina
Classification: Likely benign for Charcot-Marie-Tooth disease type 4C. Last evaluated: 2018-01-13. Review status: criteria provided, single submitter. Criteria: ICSL Variant Classification Criteria 13 December 2019. Collection method: clinical testing. Allele origin: germline.
Comment: This variant was observed in the ICSL laboratory as part of a predisposition screen in an ostensibly healthy population. It had not been previously curated by ICSL or reported in the Human Gene Mutation Database (HGMD: prior to June 1st, 2018), and was therefore a candidate for classification through an automated scoring system. Utilizing variant allele frequency, disease prevalence and penetrance estimates, and inheritance mode, an automated score was calculated to assess if this variant is too frequent to cause the disease. Based on the score and internal cut-off values, a variant classified as likely benign is not then subjected to further curation. The score for this variant resulted in a classification of likely benign for this disease.

Illumina Laboratory Services, Illumina
Classification: Benign for Susceptibility to mononeuropathy of the median nerve, mild. Last evaluated: 2018-01-13. Review status: criteria provided, single submitter. Criteria: ICSL Variant Classification Criteria 13 December 2019. Collection method: clinical testing. Allele origin: germline.
Comment: This variant was observed in the ICSL laboratory as part of a predisposition screen in an ostensibly healthy population. It had not been previously curated by ICSL or reported in the Human Gene Mutation Database (HGMD: prior to June 1st, 2018), and was therefore a candidate for classification through an automated scoring system. Utilizing variant allele frequency, disease prevalence and penetrance estimates, and inheritance mode, an automated score was calculated to assess if this variant is too frequent to cause the disease. Based on the score and internal cut-off values, a variant classified as benign is not then subjected to further curation. The score for this variant resulted in a classification of benign for this disease.

NM_024577.4(SH3TC2):c.*13204A>G

Gene: SH3TC2 (SH3 domain and tetratricopeptide repeats 2; minus strand). Cytogenetic location: 5q32.
Variant type: single nucleotide variant.
Coding change: c.*13204A>G on transcript NM_024577.4 (MANE Select); 13204 bases downstream of the stop codon, A replaced by G.
Molecular consequence: 3 prime UTR variant.
Genome position (GRCh38, 1-based): chr5:148,991,507, T>C on the plus strand (A>G on the coding strand, the complement: SH3TC2 is on the minus strand). VCF-style: chr5-148991507-T-C. GRCh37 (hg19) VCF-style: chr5-148371070-T-C.
Identifiers: ClinVar variation 907251 (VCV000907251.4), dbSNP rs141603977, ClinGen allele CA128987858.
Genomic context (GRCh38, chr5:148,991,507, plus strand): 5'-TCATCCTGTATTTCCCAGGACCCAGGAGTCTTTGGAAGTTTCTTGAGTGGGCTTCCACCT[T>C]AGCTTTTGCTTTCTGTCAGATAATACAGTGGTTATATCTGAAGGGTTTCCCCCAGGAGCT-3'